The following is an entry in ClinVar:

NM_078629.4(MSL3):c.742G>C (p.Glu248Gln)

Gene: MSL3 (MSL complex subunit 3; plus strand). Cytogenetic location: Xp22.2.
Variant type: single nucleotide variant.
Coding change: c.742G>C on transcript NM_078629.4 (MANE Select); coding-DNA position 742, G replaced by C.
Protein change: p.Glu248Gln; replaces glutamic acid 248 with glutamine.
Molecular consequence: missense variant.
Genome position (GRCh38, 1-based): chrX:11,762,990, G>C. VCF-style: chrX-11762990-G-C. GRCh37 (hg19) VCF-style: chrX-11781109-G-C.
Other names: c.706G>C, p.Glu236Gln (NM_001193270.2); c.295G>C, p.Glu99Gln (NM_001282174.1); c.244G>C, p.Glu82Gln (NM_006800.4); c.742G>C, p.Glu248Gln (NM_078628.2); short protein forms E236Q, E248Q, E82Q, E99Q.
Identifiers: ClinVar variation 2504245 (VCV002504245.1), dbSNP rs2518421854, ClinGen allele CA412064528.

ClinVar aggregate classification (germline): Uncertain significance (1 of 4 stars; one submission).

Submission:

GeneDx
Classification: Uncertain significance. Last evaluated: 2022-12-04. Review status: criteria provided, single submitter. Criteria: GeneDx Variant Classification Process June 2021. Collection method: clinical testing. Allele origin: germline. Affected: yes.
Comment: Not observed at significant frequency in large population cohorts (gnomAD); In silico analysis supports that this missense variant does not alter protein structure/function; Has not been previously published as pathogenic or benign to our knowledge